The following is an entry in ClinVar:

ClinVar aggregate classification (germline): Likely benign. Review status: criteria provided, multiple submitters, no conflicts (2 of 4 stars). 3 submissions from 3 submitters: Likely benign (3). Last evaluated 2026-05-10.

Conditions:
DNMT1-related disorder. Also called: DNMT1-related condition. Identifiers: MedGen CN381527.
Hereditary sensory neuropathy-deafness-dementia syndrome. Also called: Hereditary sensory neuropathy type IE; HSN IE; NEUROPATHY, HEREDITARY SENSORY, WITH HEARING LOSS AND DEMENTIA; Hereditary Sensory and Autonomic Neuropathy Type 1E (HSAN1E). Identifiers: Orphanet 456318, MedGen C3279885, MONDO:0013584, OMIM 614116.

Allele frequency attached by ClinVar (database versions not stated): gnomAD exomes 0.00001; gnomAD 0.00002; TOPMed 0.00008.
gnomAD v4.1: 13 of 1,613,608 alleles (0.00081%); highest among the groups gnomAD compares: African/African-American, 0.004%; no homozygotes.

Submissions (3):

PreventionGenetics, part of Exact Sciences
Classification: Likely benign for DNMT1-related condition. Last evaluated: 2026-05-10. Review status: criteria provided, single submitter. Criteria: ACMG Guidelines, 2015. Collection method: clinical testing. Allele origin: germline.
Comment: This variant is classified as likely benign based on ACMG/AMP sequence variant interpretation guidelines (Richards et al. 2015 PMID: 25741868, with internal and published modifications).

Mayo Clinic Laboratories, Mayo Clinic
Classification: Likely benign. Last evaluated: 2025-12-05. Review status: criteria provided, single submitter. Criteria: ACMG Guidelines, 2015. Collection method: clinical testing. Allele origin: germline. Observed: 1 variant allele.
Comment: BP4, BP7

Labcorp Genetics (formerly Invitae), Labcorp
Classification: Likely benign for Hereditary sensory neuropathy-deafness-dementia syndrome. Last evaluated: 2025-07-02. Review status: criteria provided, single submitter. Criteria: Invitae Variant Classification Sherloc (09022015). Collection method: clinical testing. Allele origin: germline.

NM_001130823.3(DNMT1):c.2250C>T (p.Val750=)

Gene: DNMT1 (DNA methyltransferase 1; minus strand). Cytogenetic location: 19p13.2.
Variant type: single nucleotide variant.
Coding change: c.2250C>T on transcript NM_001130823.3 (MANE Select); coding-DNA position 2250, C replaced by T.
Protein change: p.Val750=; no amino-acid change (valine 750 retained).
Molecular consequence: synonymous variant.
Genome position (GRCh38, 1-based): chr19:10,151,413, G>A on the plus strand (C>T on the coding strand, the complement: DNMT1 is on the minus strand). VCF-style: chr19-10151413-G-A. GRCh37 (hg19) VCF-style: chr19-10262089-G-A.
Other names: p.Val750=; c.2202C>T, p.Val734= (NM_001318730.2, NM_001379.4); c.1887C>T, p.Val629= (NM_001318731.2); c.2250C>T (NM_001130823.2).
Identifiers: ClinVar variation 1115803 (VCV001115803.11), dbSNP rs868765335, ClinGen allele CA305171684.